The following is an entry in ClinVar:

ClinVar aggregate classification (germline): Uncertain significance. Review status: criteria provided, multiple submitters, no conflicts (2 of 4 stars). 3 submissions from 3 submitters: Uncertain significance (3). Last evaluated 2026-05-26.

Conditions:
FAT4-related disorder. Also called: FAT4-related condition.
Inborn genetic diseases. Identifiers: MedGen C0950123, MeSH D030342.

Allele frequency attached by ClinVar (database versions not stated): TOPMed 0.00004; gnomAD 0.00006; ExAC 0.00007; ESP Exome Variant Server 0.00008; gnomAD exomes 0.00008 and 0.00009.
gnomAD v4.1: 143 of 1,614,158 alleles (0.0089%); highest among the groups gnomAD compares: Non-Finnish European, 0.012%; no homozygotes.

Submissions (3):

PreventionGenetics, part of Exact Sciences
Classification: Uncertain significance for FAT4-related condition. Last evaluated: 2026-05-26. Review status: criteria provided, single submitter. Criteria: ACMG Guidelines, 2015. Collection method: clinical testing. Allele origin: germline.
Comment: The FAT4 c.10774C>T variant is predicted to result in the amino acid substitution p.Pro3592Ser. To our knowledge, this variant has not been reported in the literature. This variant is reported in 0.015% of alleles in individuals of European (Non-Finnish) descent in gnomAD. At this time, the clinical significance of this variant is uncertain due to the absence of conclusive functional and genetic evidence.

Ambry Genetics
Classification: Uncertain significance for Inborn genetic diseases. Last evaluated: 2023-06-22. Review status: criteria provided, single submitter. Criteria: Ambry Variant Classification Scheme 2023. Collection method: clinical testing. Allele origin: germline.

Labcorp Genetics (formerly Invitae), Labcorp
Classification: Uncertain significance. Last evaluated: 2021-12-27. Review status: criteria provided, single submitter. Criteria: Invitae Variant Classification Sherloc (09022015). Collection method: clinical testing. Allele origin: germline.
Comment: This sequence change replaces proline, which is neutral and non-polar, with serine, which is neutral and polar, at codon 3592 of the FAT4 protein (p.Pro3592Ser). This variant is present in population databases (rs374073545, gnomAD 0.02%). This variant has not been reported in the literature in individuals affected with FAT4-related conditions. Algorithms developed to predict the effect of missense changes on protein structure and function (SIFT, PolyPhen-2, Align-GVGD) all suggest that this variant is likely to be disruptive. In summary, the available evidence is currently insufficient to determine the role of this variant in disease. Therefore, it has been classified as a Variant of Uncertain Significance.

NM_001291303.3(FAT4):c.10780C>T (p.Pro3594Ser)

Gene: FAT4 (FAT atypical cadherin 4; plus strand). Cytogenetic location: 4q28.1.
Variant type: single nucleotide variant.
Coding change: c.10780C>T on transcript NM_001291303.3 (MANE Select); coding-DNA position 10780, C replaced by T.
Protein change: p.Pro3594Ser; replaces proline 3594 with serine.
Molecular consequence: missense variant.
Genome position (GRCh38, 1-based): chr4:125,451,790, C>T. VCF-style: chr4-125451790-C-T. GRCh37 (hg19) VCF-style: chr4-126372945-C-T.
Other names: c.10780C>T, p.Pro3594Ser (NM_001291285.3); c.10774C>T, p.Pro3592Ser (NM_024582.6); c.10774C>T (NM_024582.4); short protein forms P3592S, P3594S.
Identifiers: ClinVar variation 1422730 (VCV001422730.5), dbSNP rs374073545, ClinGen allele CA3073737.
Genomic context (GRCh38, chr4:125,451,790, plus strand): 5'-ATTGACAGAGAGCAGATTGCAGACTTCTATCTGTCTGTGGTTACCAAGGATTCTGGTGTT[C>T]CTCAAATGTCTTCCACAGGAACTGTGCATATCACAGTTATAGACCAAAATGACAATCCTT-3'
Protein context (NP_001278232.1, residues 3584-3604): LSVVTKDSGV[Pro3594Ser]QMSSTGTVHI